The following is an entry in ClinVar:

NM_013275.6(ANKRD11):c.7223_7243dup (p.Thr2414_Leu2415insArgGluValIleGlnGlnThr)

Gene: ANKRD11 (ankyrin repeat domain 11; minus strand). Cytogenetic location: 16q24.3.
Variant type: Duplication.
Coding change: c.7223_7243dup on transcript NM_013275.6 (MANE Select); coding-DNA positions 7223 to 7243, 21 bases duplicated (GGGAGGTGATCCAGCAGACGC).
Protein change: p.Thr2414_Leu2415insArgGluValIleGlnGlnThr.
Molecular consequence: inframe insertion.
Genome position (GRCh38, 1-based): chr16:89,279,299-89,279,319, GCGTCTGCTGGATCACCTCCC duplicated on the plus strand (GGGAGGTGATCCAGCAGACGC on the coding strand, the reverse complement: ANKRD11 is on the minus strand); duplicating any 21 consecutive bases within chr16:89,279,299-89,279,329 gives the same sequence; the c. name uses the placement nearest the transcript's 3' end. VCF-style (leftmost placement, unchanged base first): chr16-89279298-A-AGCGTCTGCTGGATCACCTCCC. GRCh37 (hg19) VCF-style: chr16-89345706-A-AGCGTCTGCTGGATCACCTCCC.
Other names: c.7223_7243dup, p.Thr2414_Leu2415insArgGluValIleGlnGlnThr (NM_001256182.2, NM_001256183.2).
Identifiers: ClinVar variation 2582210 (VCV002582210.3), dbSNP rs1488196793, ClinGen allele CA2241586623.

ClinVar aggregate classification (germline): Uncertain significance. Review status: criteria provided, multiple submitters, no conflicts (2 of 4 stars). 2 submissions from 2 submitters: Uncertain significance (2). Last evaluated 2025-11-03.

Conditions:
Intellectual disability. Also called: Intellectual functioning disability; intellectual disabilities; Intellectual developmental disorder. Identifiers: MedGen C3714756, MeSH D008607, MONDO:0001071, HP:0001249.

Submissions (2):

GeneDx
Classification: Uncertain significance. Last evaluated: 2025-11-03. Review status: criteria provided, single submitter. Criteria: GeneDx Variant Classification Process June 2021. Collection method: clinical testing. Allele origin: germline. Affected: yes.
Comment: In-frame duplication of 7 amino acid(s) in a non-repeat region; Has not been previously published as pathogenic or benign to our knowledge; Not observed at significant frequency in large population cohorts (gnomAD)

Cambridge Genomics Laboratory, East Genomic Laboratory Hub, NHS Genomic Medicine Service
Classification: Uncertain significance for Intellectual disability. Last evaluated: 2019-06-21. Review status: criteria provided, single submitter. Criteria: ACGS Best Practice Guidelines for Variant Classification in Rare Disease 2020. Collection method: clinical testing. Allele origin: germline. Affected: yes. Observed: 1 variant allele.